The following is an entry in ClinVar:

ClinVar aggregate classification (germline): Uncertain significance (1 of 4 stars; one submission).

Conditions:
Amyotrophic lateral sclerosis type 4 (ALS4). Also called: NEURONOPATHY, DISTAL HEREDITARY MOTOR, WITH PYRAMIDAL FEATURES; AMYOTROPHIC LATERAL SCLEROSIS 4, JUVENILE. Identifiers: Orphanet 357043, MedGen C1865409, MONDO:0011223, OMIM 602433.
Spinocerebellar ataxia, autosomal recessive, with axonal neuropathy 2 (SCAN2). Also called: Ataxia with Oculomotor Apraxia; Ataxia-ocular apraxia-2; Ataxia with Oculomotor Apraxia Type 2; ATAXIA-OCULOMOTOR APRAXIA 2. Identifiers: Orphanet 64753, MedGen C1853761, MONDO:0018996, OMIM 606002.

gnomAD v4.1: 4 of 1,614,078 alleles (0.00025%); highest among the groups gnomAD compares: Non-Finnish European, 0.00025%; no homozygotes.

Submission:

Labcorp Genetics (formerly Invitae), Labcorp
Classification: Uncertain significance for Amyotrophic lateral sclerosis type 4; Spinocerebellar ataxia, autosomal recessive, with axonal neuropathy 2. Last evaluated: 2020-02-20. Review status: criteria provided, single submitter. Criteria: Invitae Variant Classification Sherloc (09022015). Collection method: clinical testing. Allele origin: germline.
Comment: This sequence change replaces asparagine with histidine at codon 2270 of the SETX protein (p.Asn2270His). The asparagine residue is weakly conserved and there is a small physicochemical difference between asparagine and histidine. This variant is not present in population databases (ExAC no frequency). This variant has not been reported in the literature in individuals with SETX-related conditions. Algorithms developed to predict the effect of missense changes on protein structure and function (SIFT, PolyPhen-2, Align-GVGD) all suggest that this variant is likely to be tolerated, but these predictions have not been confirmed by published functional studies and their clinical significance is uncertain. In summary, the available evidence is currently insufficient to determine the role of this variant in disease. Therefore, it has been classified as a Variant of Uncertain Significance.

NM_015046.7(SETX):c.6808A>C (p.Asn2270His)

Gene: SETX (senataxin; minus strand). Cytogenetic location: 9q34.13.
Variant type: single nucleotide variant.
Coding change: c.6808A>C on transcript NM_015046.7 (MANE Select); coding-DNA position 6808, A replaced by C.
Protein change: p.Asn2270His; replaces asparagine 2270 with histidine.
Molecular consequence: missense variant.
Genome position (GRCh38, 1-based): chr9:132,278,104, T>G on the plus strand (A>C on the coding strand, the complement: SETX is on the minus strand). VCF-style: chr9-132278104-T-G. GRCh37 (hg19) VCF-style: chr9-135153491-T-G.
Other names: c.6808A>C, p.Asn2270His (NM_001351527.2, NM_001351528.2); short protein forms N2270H.
Identifiers: ClinVar variation 1043481 (VCV001043481.9), dbSNP rs1843272035, ClinGen allele CA375330904.